The following is an entry in ClinVar:

NM_201384.3(PLEC):c.7062G>A (p.Ala2354=)

Gene: PLEC (plectin; minus strand). Cytogenetic location: 8q24.3.
Variant type: single nucleotide variant.
Coding change: c.7062G>A on transcript NM_201384.3 (MANE Select); coding-DNA position 7062, G replaced by A.
Protein change: p.Ala2354=; no amino-acid change (alanine 2354 retained).
Molecular consequence: synonymous variant.
Genome position (GRCh38, 1-based): chr8:143,922,867, C>T on the plus strand (G>A on the coding strand, the complement: PLEC is on the minus strand). VCF-style: chr8-143922867-C-T. GRCh37 (hg19) VCF-style: chr8-144997035-C-T.
Other names: c.7143G>A, p.Ala2381= (NM_000445.5); c.7020G>A, p.Ala2340= (NM_201378.4); c.6996G>A, p.Ala2332= (NM_201379.3); c.7473G>A, p.Ala2491= (NM_201380.4); c.6966G>A, p.Ala2322= (NM_201381.3); c.7062G>A, p.Ala2354= (NM_201382.4); c.7074G>A, p.Ala2358= (NM_201383.3).
Identifiers: ClinVar variation 196753 (VCV000196753.42), dbSNP rs375587611, ClinGen allele CA244011.

ClinVar aggregate classification (germline): Conflicting classifications of pathogenicity. Review status: criteria provided, conflicting classifications (1 of 4 stars). 7 submissions from 7 submitters: Uncertain significance (1); Likely benign (5). 1 of the submissions does not count toward it. Last evaluated 2026-08-01.

Conditions:
PLEC-related disorder. Also called: PLEC-related condition; PLEC-related disorders.
Epidermolysis bullosa simplex 5B, with muscular dystrophy (EBS5B). Also called: Epidermolysis bullosa simplex with muscular dystrophy; EPIDERMOLYSIS BULLOSA SIMPLEX AND LIMB-GIRDLE MUSCULAR DYSTROPHY. Identifiers: Orphanet 257, MedGen C2931072, MONDO:0009181, OMIM 226670.
Epidermolysis bullosa simplex with nail dystrophy (EBS5D). Identifiers: MedGen C4225309, MONDO:0014661, OMIM 616487.
Autosomal recessive limb-girdle muscular dystrophy type 2Q (LGMDR17). Also called: MUSCULAR DYSTROPHY, LIMB-GIRDLE, AUTOSOMAL RECESSIVE 17. Identifiers: Orphanet 254361, MedGen C3150989, MONDO:0013390, OMIM 613723.
Epidermolysis bullosa simplex 5C, with pyloric atresia (EBS5C). Also called: PLEC-Related Epidermolysis Bullosa with Pyloric Atresia; PLEC1-Related Epidermolysis Bullosa with Pyloric Atresia; Epidermolysis bullosa simplex with pyloric atresia. Identifiers: Orphanet 158684, MedGen C2677349, MONDO:0012807, OMIM 612138.
Epidermolysis bullosa simplex, Ogna type (EBS5A). Also called: Pidermolysis bullosa simplex 5A, Ogna type; EPIDERMOLYSIS BULLOSA SIMPLEX 5A, OGNA TYPE. Identifiers: Orphanet 79401, MedGen C0432317, MONDO:0007555, OMIM 131950.

Allele frequency attached by ClinVar (database versions not stated): 1000 Genomes Project 30x 0.00031; ESP Exome Variant Server 0.00031; 1000 Genomes Project 0.00040; gnomAD 0.00043 and 0.00045; TOPMed 0.00045; gnomAD exomes 0.00059 and 0.00086; ExAC 0.00083.
gnomAD v4.1: 1,273 of 1,580,538 alleles (0.081%); highest among the groups gnomAD compares: South Asian, 0.12%; 1 homozygote.

Submissions (7):

CeGaT Center for Human Genetics Tuebingen
Classification: Likely benign. Last evaluated: 2026-08-01. Review status: criteria provided, single submitter. Criteria: CeGaT Center For Human Genetics Tuebingen Variant Classification Criteria Version 2. Collection method: clinical testing. Allele origin: germline. Affected: yes. Observed: 2 variant alleles.
Comment: PLEC: BP4, BP7

Labcorp Genetics (formerly Invitae), Labcorp
Classification: Likely benign for Autosomal recessive limb-girdle muscular dystrophy type 2Q; Epidermolysis bullosa simplex, Ogna type; Epidermolysis bullosa simplex with nail dystrophy; Epidermolysis bullosa simplex 5C, with pyloric atresia; Epidermolysis bullosa simplex 5B, with muscular dystrophy. Last evaluated: 2026-01-21. Review status: criteria provided, single submitter. Criteria: Invitae Variant Classification Sherloc (09022015). Collection method: clinical testing. Allele origin: germline.

Blueprint Genetics
Classification: Likely benign. Last evaluated: 2024-11-26. Review status: criteria provided, single submitter. Criteria: ACMG Guidelines, 2015. Collection method: clinical testing. Allele origin: germline.

Women's Health and Genetics/Laboratory Corporation of America, LabCorp
Classification: Likely benign. Last evaluated: 2024-07-02. Review status: criteria provided, single submitter. Criteria: LabCorp Variant Classification Summary - May 2015. Collection method: clinical testing. Allele origin: germline.

GeneDx
Classification: Likely benign. Last evaluated: 2019-09-04. Review status: criteria provided, single submitter. Criteria: GeneDx Variant Classification Process June 2021. Collection method: clinical testing. Allele origin: germline. Affected: yes.

Eurofins Ntd Llc (ga)
Classification: Uncertain significance. Last evaluated: 2017-04-14. Review status: criteria provided, single submitter. Criteria: EGL Classification Definitions 2015. Collection method: clinical testing. Allele origin: germline. Observed: 11 variant alleles, 11 heterozygotes.

PreventionGenetics, part of Exact Sciences
Classification: Likely benign for PLEC-related condition. Last evaluated: 2024-03-28. Review status: no assertion criteria provided. Collection method: clinical testing. Allele origin: germline. Not counted in ClinVar's aggregate classification.
Comment: This variant is classified as likely benign based on ACMG/AMP sequence variant interpretation guidelines (Richards et al. 2015 PMID: 25741868, with internal and published modifications).